The following is an entry in ClinVar:

NM_005257.6(GATA6):c.1702C>T (p.Leu568Phe)

Gene: GATA6 (GATA binding protein 6; plus strand). Cytogenetic location: 18q11.2.
Variant type: single nucleotide variant.
Coding change: c.1702C>T on transcript NM_005257.6 (MANE Select); coding-DNA position 1702, C replaced by T.
Protein change: p.Leu568Phe; replaces leucine 568 with phenylalanine.
Molecular consequence: missense variant.
Genome position (GRCh38, 1-based): chr18:22,200,737, C>T. VCF-style: chr18-22200737-C-T. GRCh37 (hg19) VCF-style: chr18-19780700-C-T.
Other names: short protein forms L568F.
Identifiers: ClinVar variation 3662898 (VCV003662898.2).
Genomic context (GRCh38, chr18:22,200,737, plus strand): 5'-GGTGCGGGAGAGAGCACCAATCCCGAGAACAGCGAGCTCAAGTATTCGGGTCAAGATGGG[C>T]TCTACATAGGCGTCAGTCTCGCCTCGCCGGCCGAAGTCACGTCCTCCGTGCGACCGGATT-3'
Protein context (NP_005248.2, residues 558-578): SELKYSGQDG[Leu568Phe]YIGVSLASPA

ClinVar aggregate classification (germline): Uncertain significance (1 of 4 stars; one submission).

Conditions:
Atrioventricular septal defect 5 (AVSD5). Identifiers: MedGen C3280939, MONDO:0013769, OMIM 614474.

gnomAD v4.1: 6 of 1,614,098 alleles (0.00037%); highest among the groups gnomAD compares: Admixed American, 0.0033%; no homozygotes.

Submission:

Labcorp Genetics (formerly Invitae), Labcorp
Classification: Uncertain significance for Atrioventricular septal defect 5. Last evaluated: 2024-04-12. Review status: criteria provided, single submitter. Criteria: Invitae Variant Classification Sherloc (09022015). Collection method: clinical testing. Allele origin: germline.
Comment: This sequence change replaces leucine, which is neutral and non-polar, with phenylalanine, which is neutral and non-polar, at codon 568 of the GATA6 protein (p.Leu568Phe). This variant is present in population databases (rs767415871, gnomAD 0.003%). This variant has not been reported in the literature in individuals affected with GATA6-related conditions. An algorithm developed to predict the effect of missense changes on protein structure and function (PolyPhen-2) suggests that this variant is likely to be disruptive. In summary, the available evidence is currently insufficient to determine the role of this variant in disease. Therefore, it has been classified as a Variant of Uncertain Significance.